The following is an entry in ClinVar:

ClinVar aggregate classification (germline): Likely benign. Review status: criteria provided, multiple submitters, no conflicts (2 of 4 stars). 2 submissions from 2 submitters: Likely benign (2). Last evaluated 2026-02-03.

Conditions:
RAI1-related disorder. Also called: RAI1-related condition.

gnomAD v4.1: 1 of 1,613,858 alleles (0.000062%); highest among the groups gnomAD compares: African/African-American, 0.0013%; no homozygotes.

Submissions (2):

PreventionGenetics, part of Exact Sciences
Classification: Likely benign for RAI1-related condition. Last evaluated: 2026-02-03. Review status: criteria provided, single submitter. Criteria: ACMG Guidelines, 2015. Collection method: clinical testing. Allele origin: germline.
Comment: This variant is classified as likely benign based on ACMG/AMP sequence variant interpretation guidelines (Richards et al. 2015 PMID: 25741868, with internal and published modifications).

Labcorp Genetics (formerly Invitae), Labcorp
Classification: Likely benign. Last evaluated: 2025-08-08. Review status: criteria provided, single submitter. Criteria: Invitae Variant Classification Sherloc (09022015). Collection method: clinical testing. Allele origin: germline.

NM_030665.4(RAI1):c.4023C>G (p.Leu1341=)

Gene: RAI1 (retinoic acid induced 1; plus strand). Cytogenetic location: 17p11.2.
Variant type: single nucleotide variant.
Coding change: c.4023C>G on transcript NM_030665.4 (MANE Select); coding-DNA position 4023, C replaced by G.
Protein change: p.Leu1341=; no amino-acid change (leucine 1341 retained).
Molecular consequence: synonymous variant.
Genome position (GRCh38, 1-based): chr17:17,796,971, C>G. VCF-style: chr17-17796971-C-G. GRCh37 (hg19) VCF-style: chr17-17700285-C-G.
Other names: c.4023C>G (NM_030665.3).
Identifiers: ClinVar variation 4744948 (VCV004744948.2).